The following is an entry in ClinVar:

NM_000237.3(LPL):c.292G>T (p.Ala98Ser)

Gene: LPL (lipoprotein lipase; plus strand). Cytogenetic location: 8p21.3.
Variant type: single nucleotide variant.
Coding change: c.292G>T on transcript NM_000237.3 (MANE Select); coding-DNA position 292, G replaced by T.
Protein change: p.Ala98Ser; replaces alanine 98 with serine.
Molecular consequence: missense variant.
Genome position (GRCh38, 1-based): chr8:19,951,811, G>T. VCF-style: chr8-19951811-G-T. GRCh37 (hg19) VCF-style: chr8-19809322-G-T.
Other names: short protein forms A98S.
Identifiers: ClinVar variation 4536636 (VCV004536636.1).

ClinVar aggregate classification (germline): Uncertain significance (1 of 4 stars; one submission).

Submission:

Women's Health and Genetics/Laboratory Corporation of America, LabCorp
Classification: Uncertain significance. Last evaluated: 2025-11-17. Review status: criteria provided, single submitter. Criteria: LabCorp Variant Classification Summary - May 2015. Collection method: clinical testing. Allele origin: germline.
Comment: Variant summary: LPL c.292G>T (p.Ala98Ser) results in a conservative amino acid change in the encoded protein sequence. Algorithms developed to predict the effect of missense changes on protein structure and function are either unavailable or do not agree on the potential impact of this missense change. The variant was absent in 251470 control chromosomes. The available data on variant occurrences in the general population are insufficient to allow any conclusion about variant significance. To our knowledge, no occurrence of c.292G>T in individuals affected with LPL-related conditions and no experimental evidence demonstrating its impact on protein function have been reported. A different variant affecting the same codon has been classified as likely pathogenic by our lab (c.292G>A, p.Ala98Thr), supporting the critical relevance of codon 98 to LPL protein function. No submitters have cited clinical-significance assessments for this variant to ClinVar. Based on the evidence outlined above, the variant was classified as uncertain significance.